The following is an entry in ClinVar:

ClinVar aggregate classification (germline): Uncertain significance (1 of 4 stars; one submission).

Allele frequency attached by ClinVar (database versions not stated): gnomAD exomes 0.00002 and 0.00006; ExAC 0.00007; TOPMed 0.00012; gnomAD 0.00014 and 0.00017; 1000 Genomes Project 30x 0.00125; 1000 Genomes Project 0.00140.
gnomAD v4.1: 54 of 1,613,506 alleles (0.0033%); highest among the groups gnomAD compares: African/African-American, 0.063%; no homozygotes.

Submission:

Labcorp Genetics (formerly Invitae), Labcorp
Classification: Uncertain significance. Last evaluated: 2025-01-29. Review status: criteria provided, single submitter. Criteria: Invitae Variant Classification Sherloc (09022015). Collection method: clinical testing. Allele origin: germline.
Comment: This sequence change replaces lysine, which is basic and polar, with asparagine, which is neutral and polar, at codon 400 of the DNAAF4 protein (p.Lys400Asn). This variant is present in population databases (rs143213850, gnomAD 0.07%). This variant has not been reported in the literature in individuals affected with DNAAF4-related conditions. ClinVar contains an entry for this variant (Variation ID: 1018752). Invitae Evidence Modeling of protein sequence and biophysical properties (such as structural, functional, and spatial information, amino acid conservation, physicochemical variation, residue mobility, and thermodynamic stability) indicates that this missense variant is not expected to disrupt DNAAF4 protein function with a negative predictive value of 80%. In summary, the available evidence is currently insufficient to determine the role of this variant in disease. Therefore, it has been classified as a Variant of Uncertain Significance.

NM_130810.4(DNAAF4):c.1200A>T (p.Lys400Asn)

Genes: DNAAF4 (dynein axonemal assembly factor 4; minus strand), DNAAF4-CCPG1 (DNAAF4-CCPG1 readthrough (NMD candidate); minus strand). Cytogenetic location: 15q21.3.
Variant type: single nucleotide variant.
Coding change: c.1200A>T on transcript NM_130810.4 (MANE Select); coding-DNA position 1200, A replaced by T.
Protein change: p.Lys400Asn; replaces lysine 400 with asparagine.
Molecular consequence: missense variant. On other transcripts: intron variant (1).
Genome position (GRCh38, 1-based): chr15:55,430,733, T>A on the plus strand (A>T on the coding strand, the complement: DNAAF4 is on the minus strand). VCF-style: chr15-55430733-T-A. GRCh37 (hg19) VCF-style: chr15-55722931-T-A.
Other names: c.1094A>T, p.Lys365Ile (NM_001033559.3); c.1047+4172A>T (NM_001033560.2); short protein forms K365I, K400N.
Identifiers: ClinVar variation 1018752 (VCV001018752.8), dbSNP rs143213850, ClinGen allele CA7574781.
Genomic context (GRCh38, chr15:55,430,733, plus strand): 5'-AGATTTTAGTTCTGTTCCTTGAATTACATTCCGAATCTTCTCAGCATCAATTTGTACAAT[T>A]TTGTTGGATGGATCAATCTTAAGTGCCGCTTCATAATCCTGTAGGCCTGTGTTTATATAG-3'
Protein context (NP_570722.2, residues 390-410): EAALKIDPSN[Lys400Asn]IVQIDAEKIR